The following is an entry in ClinVar:

ClinVar aggregate classification (germline): Benign/Likely benign. Review status: criteria provided, multiple submitters, no conflicts (2 of 4 stars). 2 submissions from 2 submitters: Benign (1); Likely benign (1). Last evaluated 2024-07-09.

Conditions:
Oligodontia-cancer predisposition syndrome. Also called: TOOTH AGENESIS-COLORECTAL CANCER SYNDROME. Identifiers: Orphanet 300576, MedGen C1837750, MONDO:0012075, OMIM 608615. Disease mechanism: loss of function.

Submissions (2):

Myriad Genetics, Inc.
Classification: Benign for Oligodontia-cancer predisposition syndrome. Last evaluated: 2024-07-09. Review status: criteria provided, single submitter. Criteria: Myriad Autosomal Dominant, Autosomal Recessive and X-Linked Classification Criteria (2023). Collection method: clinical testing. Allele origin: unknown.
Comment: This variant is considered benign. This variant is a silent/synonymous amino acid change and it is not expected to impact splicing.

Labcorp Genetics (formerly Invitae), Labcorp
Classification: Likely benign for Oligodontia-cancer predisposition syndrome. Last evaluated: 2024-01-16. Review status: criteria provided, single submitter. Criteria: Invitae Variant Classification Sherloc (09022015). Collection method: clinical testing. Allele origin: germline.

NM_004655.4(AXIN2):c.2100C>G (p.Ala700=)

Gene: AXIN2 (axin 2; minus strand). Cytogenetic location: 17q24.1.
Variant type: single nucleotide variant.
Coding change: c.2100C>G on transcript NM_004655.4 (MANE Select); coding-DNA position 2100, C replaced by G.
Protein change: p.Ala700=; no amino-acid change (alanine 700 retained).
Molecular consequence: synonymous variant.
Genome position (GRCh38, 1-based): chr17:65,536,361, G>C on the plus strand (C>G on the coding strand, the complement: AXIN2 is on the minus strand). VCF-style: chr17-65536361-G-C. GRCh37 (hg19) VCF-style: chr17-63532479-G-C.
Other names: c.1905C>G, p.Ala635= (NM_001363813.1).
Identifiers: ClinVar variation 2709545 (VCV002709545.4), dbSNP rs1057522521, ClinGen allele CA501690898.